The following is an entry in ClinVar:

NM_000264.5(PTCH1):c.3814C>T (p.Pro1272Ser)

Gene: PTCH1 (patched 1; minus strand). Cytogenetic location: 9q22.32.
Variant type: single nucleotide variant.
Coding change: c.3814C>T on transcript NM_000264.5 (MANE Select); coding-DNA position 3814, C replaced by T.
Protein change: p.Pro1272Ser; replaces proline 1272 with serine.
Molecular consequence: missense variant. On other transcripts: non-coding transcript variant (1).
Genome position (GRCh38, 1-based): chr9:95,447,442, G>A on the plus strand (C>T on the coding strand, the complement: PTCH1 is on the minus strand). VCF-style: chr9-95447442-G-A. GRCh37 (hg19) VCF-style: chr9-98209724-G-A.
Other names: c.3616C>T, p.Pro1206Ser (NM_001083602.3); c.3811C>T, p.Pro1271Ser (NM_001083603.3); c.3361C>T, p.Pro1121Ser (NM_001083604.3, NM_001083605.3, NM_001083606.3 and 1 more transcripts); c.3658C>T, p.Pro1220Ser (NM_001354918.2); short protein forms P1121S, P1206S, P1271S, P1220S, P1272S.
Identifiers: ClinVar variation 639116 (VCV000639116.12), dbSNP rs1298467711, ClinGen allele CA374110867.

ClinVar aggregate classification (germline): Conflicting classifications of pathogenicity. Review status: criteria provided, conflicting classifications (1 of 4 stars). 2 submissions from 2 submitters: Uncertain significance (1); Likely benign (1). Last evaluated 2024-11-12.

Conditions:
Hereditary cancer-predisposing syndrome. Also called: Hereditary Cancer Syndrome; Neoplastic Syndromes, Hereditary; Tumor predisposition; Hereditary neoplastic syndrome. Identifiers: Orphanet 140162, MedGen C0027672, MeSH D009386, MONDO:0015356.
Gorlin syndrome. Also called: Nevoid Basal Cell Carcinoma Syndrome; Basal cell nevus syndrome. Identifiers: Orphanet 377, MedGen C0004779, MONDO:0007187.

Allele frequency attached by ClinVar (database versions not stated): gnomAD exomes below 0.00001.
gnomAD v4.1: 1 of 1,587,606 alleles (0.000063%); no homozygotes.

Submissions (2):

Labcorp Genetics (formerly Invitae), Labcorp
Classification: Likely benign for Gorlin syndrome. Last evaluated: 2024-11-12. Review status: criteria provided, single submitter. Criteria: Invitae Variant Classification Sherloc (09022015). Collection method: clinical testing. Allele origin: germline.

Ambry Genetics
Classification: Uncertain significance for Hereditary cancer-predisposing syndrome. Last evaluated: 2024-04-20. Review status: criteria provided, single submitter. Criteria: Ambry Variant Classification Scheme 2023. Collection method: clinical testing. Allele origin: germline.
Comment: The p.P1272S variant (also known as c.3814C>T), located in coding exon 23 of the PTCH1 gene, results from a C to T substitution at nucleotide position 3814. The proline at codon 1272 is replaced by serine, an amino acid with similar properties. This amino acid position is well conserved in available vertebrate species. In addition, the in silico prediction for this alteration is inconclusive. Since supporting evidence is limited at this time, the clinical significance of this alteration remains unclear.